The following is an entry in ClinVar:

NM_000075.4(CDK4):c.528T>C (p.Val176=)

Gene: CDK4 (cyclin dependent kinase 4; minus strand). Cytogenetic location: 12q14.1.
Variant type: single nucleotide variant.
Coding change: c.528T>C on transcript NM_000075.4 (MANE Select); coding-DNA position 528, T replaced by C.
Protein change: p.Val176=; no amino-acid change (valine 176 retained).
Molecular consequence: synonymous variant.
Genome position (GRCh38, 1-based): chr12:57,750,760, A>G on the plus strand (T>C on the coding strand, the complement: CDK4 is on the minus strand). VCF-style: chr12-57750760-A-G. GRCh37 (hg19) VCF-style: chr12-58144543-A-G.
Other names: c.528T>C (NM_000075.3).
Identifiers: ClinVar variation 3378515 (VCV003378515.2).

ClinVar aggregate classification (germline): Benign/Likely benign. Review status: criteria provided, multiple submitters, no conflicts (2 of 4 stars). 2 submissions from 2 submitters: Benign (1); Likely benign (1). Last evaluated 2026-08-15.

Conditions:
Melanoma, cutaneous malignant, susceptibility to, 3. Also called: Cutaneous malignant melanoma 3. Identifiers: Orphanet 618, MedGen C1836892, MONDO:0012183, OMIM 609048.
Hereditary cancer-predisposing syndrome. Also called: Tumor predisposition; Hereditary Cancer Syndrome; Hereditary neoplastic syndrome; Neoplastic Syndromes, Hereditary. Identifiers: Orphanet 140162, MedGen C0027672, MeSH D009386, MONDO:0015356.

Submissions (2):

Ambry Genetics
Classification: Likely benign for Hereditary cancer-predisposing syndrome. Last evaluated: 2026-08-15. Review status: criteria provided, single submitter. Criteria: Ambry Variant Classification Scheme 2023. Collection method: clinical testing. Allele origin: germline.

Myriad Genetics, Inc.
Classification: Benign for Melanoma, cutaneous malignant, susceptibility to, 3. Last evaluated: 2024-09-26. Review status: criteria provided, single submitter. Criteria: Myriad Autosomal Dominant, Autosomal Recessive and X-Linked Classification Criteria (2023). Collection method: clinical testing. Allele origin: unknown.
Comment: This variant is considered benign. This variant is a silent/synonymous amino acid change and it is not expected to impact splicing.